The following is an entry in ClinVar:

ClinVar aggregate classification (germline): Likely pathogenic (1 of 4 stars; one submission).

Submission:

Labcorp Genetics (formerly Invitae), Labcorp
Classification: Likely pathogenic. Last evaluated: 2023-02-24. Review status: criteria provided, single submitter. Criteria: Invitae Variant Classification Sherloc (09022015). Collection method: clinical testing. Allele origin: unknown.
Comment: This variant results in a copy number gain of the genomic region encompassing exon(s) 7-14 of the FRAS1 gene. While the exact position of this variant cannot be determined from the data, sub-genic copy number gains are generally in tandem (PMID: 25640679). This variant is predicted to be out-of-frame, and may result in an absent or disrupted protein product. Loss-of-function variants in FRAS1 are known to be pathogenic (PMID: 12766769, 18671281). This variant has not been reported in the literature in individuals affected with FRAS1-related conditions. In summary, the currently available evidence indicates that the variant is pathogenic, but additional data are needed to prove that conclusively. Therefore, this variant has been classified as Likely Pathogenic.

Literature cited by the submitters: PubMed 25640679; PubMed 12766769; PubMed 18671281.

NC_000004.11:g.(?_79186159)_(79207713_?)dup

Gene: FRAS1 (Fraser extracellular matrix complex subunit 1; plus strand). Cytogenetic location: 4q21.21.
Variant type: Duplication.
Identifiers: ClinVar variation 3246769 (VCV003246769.1).